The following is an entry in ClinVar:

ClinVar aggregate classification (germline): Benign/Likely benign. Review status: criteria provided, multiple submitters, no conflicts (2 of 4 stars). 13 submissions from 13 submitters: Benign (8); Likely benign (2). 3 of the submissions do not count toward it. Last evaluated 2026-09-01.

Conditions:
ASPM-related disorder. Also called: ASPM-related condition.
Microcephaly 5, primary, autosomal recessive (MCPH5). Also called: ASPM Primary Microcephaly. Identifiers: Orphanet 2512, MedGen C1837501, MONDO:0012106, OMIM 608716.

Allele frequency attached by ClinVar (database versions not stated): 1000 Genomes Project 0.00359; 1000 Genomes Project 30x 0.00359; ESP Exome Variant Server 0.00439; gnomAD 0.00649 and 0.00665; TOPMed 0.00680; ExAC 0.00694; gnomAD exomes 0.00705.
gnomAD v4.1: 15,076 of 1,610,884 alleles (0.94%); highest among the groups gnomAD compares: Non-Finnish European, 1.1%; 95 homozygotes.

Submissions (22):

CeGaT Center for Human Genetics Tuebingen
Classification: Benign. Last evaluated: 2026-09-01. Review status: criteria provided, single submitter. Criteria: CeGaT Center For Human Genetics Tuebingen Variant Classification Criteria Version 2. Collection method: clinical testing. Allele origin: germline. Affected: yes. Observed: 18 variant alleles.
Comment: ASPM: BS1, BS2

Labcorp Genetics (formerly Invitae), Labcorp
Classification: Benign. Last evaluated: 2026-02-01. Review status: criteria provided, single submitter. Criteria: Invitae Variant Classification Sherloc (09022015). Collection method: clinical testing. Allele origin: germline.

Genome-Nilou Lab
Classification: Benign for Microcephaly 5, primary, autosomal recessive. Last evaluated: 2023-04-11. Review status: criteria provided, single submitter. Criteria: ACMG Guidelines, 2015. Collection method: clinical testing. Allele origin: germline. Affected: no.

Athena Diagnostics
Classification: Benign. Last evaluated: 2018-04-26. Review status: criteria provided, single submitter. Criteria: Athena Diagnostics Criteria. Collection method: clinical testing. Allele origin: germline.

Illumina Laboratory Services, Illumina
Classification: Likely benign for Microcephaly 5, primary, autosomal recessive. Last evaluated: 2018-01-13. Review status: criteria provided, single submitter. Criteria: ICSL Variant Classification Criteria 13 December 2019. Collection method: clinical testing. Allele origin: germline.
Comment: This variant was observed in the ICSL laboratory as part of a predisposition screen in an ostensibly healthy population. It had not been previously curated by ICSL or reported in the Human Gene Mutation Database (HGMD: prior to June 1st, 2018), and was therefore a candidate for classification through an automated scoring system. Utilizing variant allele frequency, disease prevalence and penetrance estimates, and inheritance mode, an automated score was calculated to assess if this variant is too frequent to cause the disease. Based on the score and internal cut-off values, a variant classified as likely benign is not then subjected to further curation. The score for this variant resulted in a classification of likely benign for this disease.

GeneDx
Classification: Benign. Last evaluated: 2016-08-03. Review status: criteria provided, single submitter. Criteria: GeneDx Variant Classification (06012015). Collection method: clinical testing. Allele origin: germline. Affected: yes.
Comment: This variant is considered likely benign or benign based on one or more of the following criteria: it is a conservative change, it occurs at a poorly conserved position in the protein, it is predicted to be benign by multiple in silico algorithms, and/or has population frequency not consistent with disease.

Genetic Services Laboratory, University of Chicago
Classification: Benign. Last evaluated: 2015-11-11. Review status: criteria provided, single submitter. Criteria: ACMG Guidelines, 2015. Collection method: clinical testing. Allele origin: germline. Affected: no.

Clinical Genetics DNA and cytogenetics Diagnostics Lab, Erasmus MC, Erasmus Medical Center
Classification: Benign for Microcephaly 5, primary, autosomal recessive. Last evaluated: 2015-09-21. Review status: criteria provided, single submitter. Criteria: ACGS Guidelines, 2013. Collection method: clinical testing. Allele origin: germline. Affected: yes. Study: VKGL Data-share Consensus.

Eurofins Ntd Llc (ga)
Classification: Benign. Last evaluated: 2014-10-01. Review status: criteria provided, single submitter. Criteria: EGL Classification Definitions 2015. Collection method: clinical testing. Allele origin: germline. Observed: 2 variant alleles, 2 heterozygotes.

Breakthrough Genomics
Classification: Likely benign. Review status: criteria provided, single submitter. Criteria: ACMG Guidelines, 2015. Collection method: not provided. Allele origin: germline. Inheritance: Autosomal recessive inheritance. Affected: yes.

PreventionGenetics, part of Exact Sciences
Classification: Benign for ASPM-related condition. Last evaluated: 2019-07-18. Review status: no assertion criteria provided. Collection method: clinical testing. Allele origin: germline. Not counted in ClinVar's aggregate classification.
Comment: This variant is classified as benign based on ACMG/AMP sequence variant interpretation guidelines (Richards et al. 2015 PMID: 25741868, with internal and published modifications).

Diagnostic Laboratory, Department of Genetics, University Medical Center Groningen
Classification: Likely benign for Microcephaly 5, primary, autosomal recessive. Review status: no assertion criteria provided. Collection method: clinical testing. Allele origin: germline. Affected: yes. Study: VKGL Data-share Consensus. Not counted in ClinVar's aggregate classification.

Dr. Peter K. Rogan Lab, Western University
No classification provided (evidence only). Condition: Acute myeloid leukemia. Review status: no classification provided. Collection method: in vitro. Allele origin: not applicable. Functional consequence: retained intron. Not counted in ClinVar's aggregate classification.

Dr. Peter K. Rogan Lab, Western University
No classification provided (evidence only). Condition: Uterine corpus endometrial carcinoma. Review status: no classification provided. Collection method: in vitro. Allele origin: not applicable. Functional consequence: retained intron. Not counted in ClinVar's aggregate classification.

Dr. Peter K. Rogan Lab, Western University
No classification provided (evidence only). Condition: Cervical cancer. Review status: no classification provided. Collection method: in vitro. Allele origin: not applicable. Functional consequence: retained intron. Not counted in ClinVar's aggregate classification.

Dr. Peter K. Rogan Lab, Western University
No classification provided (evidence only). Condition: Cervical cancer. Review status: no classification provided. Collection method: in vitro. Allele origin: not applicable. Functional consequence: retained intron. Not counted in ClinVar's aggregate classification.

Dr. Peter K. Rogan Lab, Western University
No classification provided (evidence only). Condition: Cervical cancer. Review status: no classification provided. Collection method: in vitro. Allele origin: not applicable. Functional consequence: retained intron. Not counted in ClinVar's aggregate classification.

Dr. Peter K. Rogan Lab, Western University
No classification provided (evidence only). Condition: Cervical cancer. Review status: no classification provided. Collection method: in vitro. Allele origin: not applicable. Functional consequence: retained intron. Not counted in ClinVar's aggregate classification.

Dr. Peter K. Rogan Lab, Western University
No classification provided (evidence only). Condition: Sarcoma. Review status: no classification provided. Collection method: in vitro. Allele origin: not applicable. Functional consequence: retained intron. Not counted in ClinVar's aggregate classification.

Dr. Peter K. Rogan Lab, Western University
No classification provided (evidence only). Condition: Ovarian serous cystadenocarcinoma. Review status: no classification provided. Collection method: in vitro. Allele origin: not applicable. Functional consequence: retained intron. Not counted in ClinVar's aggregate classification.

Dr. Peter K. Rogan Lab, Western University
No classification provided (evidence only). Condition: Ovarian serous cystadenocarcinoma. Review status: no classification provided. Collection method: in vitro. Allele origin: not applicable. Functional consequence: retained intron. Not counted in ClinVar's aggregate classification.

Joint Genome Diagnostic Labs from Nijmegen and Maastricht, Radboudumc and MUMC+
Classification: Benign. Review status: no assertion criteria provided. Collection method: clinical testing. Allele origin: germline. Affected: yes. Study: VKGL Data-share Consensus. Not counted in ClinVar's aggregate classification.

NM_018136.5(ASPM):c.3742-10T>G

Gene: ASPM (assembly factor for spindle microtubules; minus strand). Cytogenetic location: 1q31.3.
Variant type: single nucleotide variant.
Coding change: c.3742-10T>G on transcript NM_018136.5 (MANE Select); 10 bases into the intron before coding-DNA position 3742, T replaced by G.
Molecular consequence: intron variant.
Genome position (GRCh38, 1-based): chr1:197,122,053, A>C on the plus strand (T>G on the coding strand, the complement: ASPM is on the minus strand). VCF-style: chr1-197122053-A-C. GRCh37 (hg19) VCF-style: chr1-197091183-A-C.
Other names: c.3742-10T>G (NM_001206846.2).
Identifiers: ClinVar variation 157809 (VCV000157809.53), dbSNP rs41299587, ClinGen allele CA171204.